The following is an entry in ClinVar:

NM_000890.5(KCNJ5):c.707C>T (p.Ala236Val)

Gene: KCNJ5 (potassium inwardly rectifying channel subfamily J member 5; plus strand). Cytogenetic location: 11q24.3.
Variant type: single nucleotide variant.
Coding change: c.707C>T on transcript NM_000890.5 (MANE Select); coding-DNA position 707, C replaced by T.
Protein change: p.Ala236Val; replaces alanine 236 with valine.
Molecular consequence: missense variant.
Genome position (GRCh38, 1-based): chr11:128,911,980, C>T. VCF-style: chr11-128911980-C-T. GRCh37 (hg19) VCF-style: chr11-128781875-C-T.
Other names: c.707C>T, p.Ala236Val (NM_001354169.2); short protein forms A236V.
Identifiers: ClinVar variation 4742642 (VCV004742642.1).

ClinVar aggregate classification (germline): Uncertain significance (1 of 4 stars; one submission).

Conditions:
Long QT syndrome (LQTS). Identifiers: MedGen C0023976, MeSH D008133, MONDO:0002442. Disease mechanism: loss of function. Inheritance: Various modes of inheritance.

Submission:

Labcorp Genetics (formerly Invitae), Labcorp
Classification: Uncertain significance for Long QT syndrome. Last evaluated: 2025-05-18. Review status: criteria provided, single submitter. Criteria: Invitae Variant Classification Sherloc (09022015). Collection method: clinical testing. Allele origin: germline.
Comment: This sequence change replaces alanine, which is neutral and non-polar, with valine, which is neutral and non-polar, at codon 236 of the KCNJ5 protein (p.Ala236Val). This variant is not present in population databases (gnomAD no frequency). This variant has not been reported in the literature in individuals affected with KCNJ5-related conditions. Invitae Evidence Modeling of protein sequence and biophysical properties (such as structural, functional, and spatial information, amino acid conservation, physicochemical variation, residue mobility, and thermodynamic stability) indicates that this missense variant is not expected to disrupt KCNJ5 protein function with a negative predictive value of 80%. In summary, the available evidence is currently insufficient to determine the role of this variant in disease. Therefore, it has been classified as a Variant of Uncertain Significance.